The following is an entry in ClinVar:

NM_005993.5(TBCD):c.533C>G (p.Pro178Arg)

Gene: TBCD (tubulin folding cofactor D). Cytogenetic location: 17q25.3.
Variant type: single nucleotide variant.
Coding change: c.533C>G on transcript NM_005993.5 (MANE Select); coding-DNA position 533, C replaced by G.
Protein change: p.Pro178Arg; replaces proline 178 with arginine.
Molecular consequence: missense variant.
Genome position (GRCh38, 1-based): chr17:82,768,517, C>G. VCF-style: chr17-82768517-C-G. GRCh37 (hg19) VCF-style: chr17-80726393-C-G.
Other names: c.482C>G, p.Pro161Arg (NM_001411101.1); c.533C>G, p.Pro178Arg (NM_001411102.1); short protein forms P161R, P178R.
Identifiers: ClinVar variation 1933186 (VCV001933186.2), dbSNP rs570409629, ClinGen allele CA295264438.

ClinVar aggregate classification (germline): Uncertain significance (1 of 4 stars; one submission).

Allele frequency attached by ClinVar (database versions not stated): TOPMed 0.00001; gnomAD 0.00002.
gnomAD v4.1: 7 of 1,613,898 alleles (0.00043%); highest among the groups gnomAD compares: African/African-American, 0.008%; no homozygotes.

Submission:

Labcorp Genetics (formerly Invitae), Labcorp
Classification: Uncertain significance. Last evaluated: 2022-09-27. Review status: criteria provided, single submitter. Criteria: Invitae Variant Classification Sherloc (09022015). Collection method: clinical testing. Allele origin: germline.
Comment: This sequence change replaces proline, which is neutral and non-polar, with arginine, which is basic and polar, at codon 178 of the TBCD protein (p.Pro178Arg). This variant is present in population databases (rs570409629, gnomAD 0.02%). This variant has not been reported in the literature in individuals affected with TBCD-related conditions. Algorithms developed to predict the effect of missense changes on protein structure and function (SIFT, PolyPhen-2, Align-GVGD) all suggest that this variant is likely to be tolerated. In summary, the available evidence is currently insufficient to determine the role of this variant in disease. Therefore, it has been classified as a Variant of Uncertain Significance.